The following is an entry in ClinVar:

ClinVar aggregate classification (germline): Uncertain significance (1 of 4 stars; one submission).

Submission:

CeGaT Center for Human Genetics Tuebingen
Classification: Uncertain significance. Last evaluated: 2024-06-01. Review status: criteria provided, single submitter. Criteria: CeGaT Center For Human Genetics Tuebingen Variant Classification Criteria Version 2. Collection method: clinical testing. Allele origin: germline. Affected: yes. Observed: 1 variant allele.
Comment: SYNE1: PM2, BP4

NM_182961.4(SYNE1):c.19571A>T (p.Glu6524Val)

Gene: SYNE1 (spectrin repeat containing nuclear envelope protein 1; minus strand). Cytogenetic location: 6q25.2.
Variant type: single nucleotide variant.
Coding change: c.19571A>T on transcript NM_182961.4 (MANE Select); coding-DNA position 19571, A replaced by T.
Protein change: p.Glu6524Val; replaces glutamic acid 6524 with valine.
Molecular consequence: missense variant.
Genome position (GRCh38, 1-based): chr6:152,249,162, T>A on the plus strand (A>T on the coding strand, the complement: SYNE1 is on the minus strand). VCF-style: chr6-152249162-T-A. GRCh37 (hg19) VCF-style: chr6-152570297-T-A.
Other names: c.19358A>T, p.Glu6453Val (NM_033071.5); short protein forms E6453V, E6524V.
Identifiers: ClinVar variation 3250978 (VCV003250978.18), dbSNP rs2551775231.
Genomic context (GRCh38, chr6:152,249,162, plus strand): 5'-ATAGTAAGTCATATCTCCTCTATGCATTTTCTCTTCTAGGAAAAGGCAGCTATAAATACC[T>A]CTATTTGTTCTGCTACGGGCTGTTCAAACACATTTGCCAGTTTTTGCAGAATGATGTATT-3'
Protein context (NP_892006.3, residues 6514-6534): VFEQPVAEQI[Glu6524Val]AIQQAEDGLK